The following is an entry in ClinVar:

NM_145207.3(AFG2A):c.1498A>G (p.Asn500Asp)

Gene: AFG2A (AFG2 AAA ATPase homolog A; plus strand). Cytogenetic location: 4q28.1.
Variant type: single nucleotide variant.
Coding change: c.1498A>G on transcript NM_145207.3 (MANE Select); coding-DNA position 1498, A replaced by G.
Protein change: p.Asn500Asp; replaces asparagine 500 with aspartic acid.
Molecular consequence: missense variant.
Genome position (GRCh38, 1-based): chr4:122,947,272, A>G. VCF-style: chr4-122947272-A-G. GRCh37 (hg19) VCF-style: chr4-123868427-A-G.
Other names: c.1495A>G, p.Asn499Asp (NM_001317799.2, NM_001345856.2); short protein forms N500D, N499D.
Identifiers: ClinVar variation 805521 (VCV000805521.3), dbSNP rs770721082, ClinGen allele CA3070477.
Genomic context (GRCh38, chr4:122,947,272, plus strand): 5'-ATTTTCATTTTATTTTGTTAGGAAGTAAGTGAAGGACAAGTGTTGGTTCTTGGGGCCACA[A>G]ATCGCCCTCATGCCTTGGATGCTGCTCTCCGAAGACCTGGGCGATTTGATAAAGAGATTG-3'
Protein context (NP_660208.2, residues 490-510): EGQVLVLGAT[Asn500Asp]RPHALDAALR

ClinVar aggregate classification (germline): Uncertain significance. Review status: criteria provided, multiple submitters, no conflicts (2 of 4 stars). 2 submissions from 2 submitters: Uncertain significance (2). Last evaluated 2022-07-05.

Conditions:
Microcephaly-intellectual disability-sensorineural hearing loss-epilepsy-abnormal muscle tone syndrome (NEDHSB). Also called: NEURODEVELOPMENTAL DISORDER WITH HEARING LOSS, SEIZURES, AND BRAIN ABNORMALITIES. Identifiers: Orphanet 457351, MedGen C4225276, MONDO:0014698, OMIM 616577.

Allele frequency attached by ClinVar (database versions not stated): ExAC 0.00001; gnomAD exomes 0.00002.
gnomAD v4.1: 9 of 1,611,748 alleles (0.00056%); highest among the groups gnomAD compares: Admixed American, 0.0084%; no homozygotes.

Submissions (2):

Labcorp Genetics (formerly Invitae), Labcorp
Classification: Uncertain significance for Microcephaly-intellectual disability-sensorineural hearing loss-epilepsy-abnormal muscle tone syndrome. Last evaluated: 2022-07-05. Review status: criteria provided, single submitter. Criteria: Invitae Variant Classification Sherloc (09022015). Collection method: clinical testing. Allele origin: germline.
Comment: This sequence change replaces asparagine, which is neutral and polar, with aspartic acid, which is acidic and polar, at codon 500 of the SPATA5 protein (p.Asn500Asp). This variant is present in population databases (rs770721082, gnomAD 0.02%). This variant has not been reported in the literature in individuals affected with SPATA5-related conditions. ClinVar contains an entry for this variant (Variation ID: 805521). Algorithms developed to predict the effect of missense changes on protein structure and function are either unavailable or do not agree on the potential impact of this missense change (SIFT: "Deleterious"; PolyPhen-2: "Probably Damaging"; Align-GVGD: "Class C15"). Algorithms developed to predict the effect of sequence changes on RNA splicing suggest that this variant may create or strengthen a splice site. In summary, the available evidence is currently insufficient to determine the role of this variant in disease. Therefore, it has been classified as a Variant of Uncertain Significance.

Athena Diagnostics
Classification: Uncertain significance. Last evaluated: 2018-09-28. Review status: criteria provided, single submitter. Criteria: Athena Diagnostics Criteria. Collection method: clinical testing. Allele origin: germline.